The following is an entry in ClinVar:

ClinVar aggregate classification (germline): Uncertain significance. Review status: criteria provided, multiple submitters, no conflicts (2 of 4 stars). 4 submissions from 4 submitters: Uncertain significance (3). 1 of the submissions does not count toward it. Last evaluated 2026-01-04.

Conditions:
LAMA4-related disorder. Also called: LAMA4-related condition.
Dilated cardiomyopathy 1JJ (CMD1JJ). Identifiers: Orphanet 154, MedGen C3808935, MONDO:0014095, OMIM 615235.
Cardiovascular phenotype. Identifiers: MedGen CN230736.

Allele frequency attached by ClinVar (database versions not stated): gnomAD exomes 0.00004 and 0.00009; TOPMed 0.00004; ExAC 0.00006.
gnomAD v4.1: 26 of 1,613,016 alleles (0.0016%); highest among the groups gnomAD compares: Admixed American, 0.043%; no homozygotes.

Submissions (4):

Labcorp Genetics (formerly Invitae), Labcorp
Classification: Uncertain significance for Dilated cardiomyopathy 1JJ. Last evaluated: 2026-01-04. Review status: criteria provided, single submitter. Criteria: Invitae Variant Classification Sherloc (09022015). Collection method: clinical testing. Allele origin: germline.
Comment: This sequence change replaces phenylalanine, which is neutral and non-polar, with leucine, which is neutral and non-polar, at codon 1266 of the LAMA4 protein (p.Phe1266Leu). This variant is present in population databases (rs781966924, gnomAD 0.07%), and has an allele count higher than expected for a pathogenic variant. This variant has not been reported in the literature in individuals affected with LAMA4-related conditions. ClinVar contains an entry for this variant (Variation ID: 618698). Invitae Evidence Modeling of protein sequence and biophysical properties (such as structural, functional, and spatial information, amino acid conservation, physicochemical variation, residue mobility, and thermodynamic stability) indicates that this missense variant is not expected to disrupt LAMA4 protein function with a negative predictive value of 80%. In summary, the available evidence is currently insufficient to determine the role of this variant in disease. Therefore, it has been classified as a Variant of Uncertain Significance.

Ambry Genetics
Classification: Uncertain significance for Cardiovascular phenotype. Last evaluated: 2024-05-17. Review status: criteria provided, single submitter. Criteria: Ambry Variant Classification Scheme 2023. Collection method: clinical testing. Allele origin: germline.
Comment: The p.F1266L variant (also known as c.3796T>C), located in coding exon 27 of the LAMA4 gene, results from a T to C substitution at nucleotide position 3796. The phenylalanine at codon 1266 is replaced by leucine, an amino acid with highly similar properties. This amino acid position is well conserved in available vertebrate species; however, leucine is the reference amino acid in other vertebrate species. In addition, this alteration is predicted to be tolerated by in silico analysis. Since supporting evidence is limited at this time, the clinical significance of this alteration remains unclear.

ARUP Laboratories, Molecular Genetics and Genomics, ARUP Laboratories
Classification: Uncertain significance. Last evaluated: 2017-06-23. Review status: criteria provided, single submitter. Criteria: ARUP Molecular Germline Variant Investigation Process. Collection method: clinical testing. Allele origin: germline.
Comment: The p.Phe1266Leu variant (rs781966924) has not been reported in the medical literature, gene specific variation databases, nor has it been previously identified by our laboratory. This variant is listed in the Exome Aggregation Consortium Browser with an overall population frequency of 0.006 percent (identified on 7 out of 120258 chromosomes). The phenylalanine at position 1266 is highly conserved (Alamut v2.9.0) and computational analyses of the effects of the p.Phe1266Leu variant on protein structure and function indicates neutral effect (SIFT: tolerated, MutationTaster: polymorphism, PolyPhen-2: benign). Altogether, there is not enough evidence to classify the p.Phe1266Leu variant with certainty.

PreventionGenetics, part of Exact Sciences
Classification: Likely benign for LAMA4-related condition. Last evaluated: 2022-07-08. Review status: no assertion criteria provided. Collection method: clinical testing. Allele origin: germline. Not counted in ClinVar's aggregate classification.
Comment: This variant is classified as likely benign based on ACMG/AMP sequence variant interpretation guidelines (Richards et al. 2015 PMID: 25741868, with internal and published modifications).

NM_001105206.3(LAMA4):c.3817T>C (p.Phe1273Leu)

Gene: LAMA4 (laminin subunit alpha 4; minus strand). Cytogenetic location: 6q21.
Variant type: single nucleotide variant.
Coding change: c.3817T>C on transcript NM_001105206.3 (MANE Select); coding-DNA position 3817, T replaced by C.
Protein change: p.Phe1273Leu; replaces phenylalanine 1273 with leucine.
Molecular consequence: missense variant.
Genome position (GRCh38, 1-based): chr6:112,132,770, A>G on the plus strand (T>C on the coding strand, the complement: LAMA4 is on the minus strand). VCF-style: chr6-112132770-A-G. GRCh37 (hg19) VCF-style: chr6-112453972-A-G.
Other names: c.3796T>C, p.Phe1266Leu (NM_001105207.3, NM_002290.5); short protein forms F1266L, F1273L.
Identifiers: ClinVar variation 618698 (VCV000618698.20), dbSNP rs781966924, ClinGen allele CA3965129.